The following is an entry in ClinVar:

ClinVar aggregate classification (germline): Conflicting classifications of pathogenicity. Review status: criteria provided, conflicting classifications (1 of 4 stars). 2 submissions from 2 submitters: Uncertain significance (1); Likely benign (1). Last evaluated 2023-03-23.

Conditions:
Hereditary cancer-predisposing syndrome. Also called: Hereditary Cancer Syndrome; Neoplastic Syndromes, Hereditary; Tumor predisposition; Hereditary neoplastic syndrome. Identifiers: Orphanet 140162, MedGen C0027672, MeSH D009386, MONDO:0015356.

Submissions (2):

University of Washington Department of Laboratory Medicine, University of Washington
Classification: Likely benign for Hereditary cancer-predisposing syndrome. Last evaluated: 2023-03-23. Review status: criteria provided, single submitter. Criteria: Dines et al. (Genet Med. 2020). Collection method: curation. Allele origin: germline.
Comment: Missense variant in a coldspot region where missense variants are very unlikely to be pathogenic (PMID:31911673).

BRCA2 exon 11 coldspot. Reclassification based on statistical prior probability.

Ambry Genetics
Classification: Uncertain significance for Hereditary cancer-predisposing syndrome. Last evaluated: 2017-05-11. Review status: criteria provided, single submitter. Criteria: Ambry Variant Classification Scheme 2023. Collection method: clinical testing. Allele origin: germline.
Comment: The p.P1145A variant (also known as c.3433C>G), located in coding exon 10 of the BRCA2 gene, results from a C to G substitution at nucleotide position 3433. The proline at codon 1145 is replaced by alanine, an amino acid with highly similar properties. This nucleotide position is not well conserved in available vertebrate species. This amino acid position is poorly conserved in available vertebrate species. In addition, this alteration is predicted to be tolerated by in silico analysis. Since supporting evidence is limited at this time, the clinical significance of this alteration remains unclear.

NM_000059.4(BRCA2):c.3433C>G (p.Pro1145Ala)

Gene: BRCA2 (BRCA2 DNA repair associated; plus strand). Cytogenetic location: 13q13.1.
Variant type: single nucleotide variant.
Coding change: c.3433C>G on transcript NM_000059.4 (MANE Select); coding-DNA position 3433, C replaced by G.
Protein change: p.Pro1145Ala; replaces proline 1145 with alanine.
Molecular consequence: missense variant.
Genome position (GRCh38, 1-based): chr13:32,337,788, C>G. VCF-style: chr13-32337788-C-G. GRCh37 (hg19) VCF-style: chr13-32911925-C-G.
Other names: short protein forms P1145A.
Identifiers: ClinVar variation 481039 (VCV000481039.7), dbSNP rs1555283232, ClinGen allele CA387776577.